The following is an entry in ClinVar:

NM_005857.5(ZMPSTE24):c.743C>T (p.Pro248Leu)

Gene: ZMPSTE24 (zinc metallopeptidase STE24; plus strand). Cytogenetic location: 1p34.2.
Variant type: single nucleotide variant.
Coding change: c.743C>T on transcript NM_005857.5 (MANE Select); coding-DNA position 743, C replaced by T.
Protein change: p.Pro248Leu; replaces proline 248 with leucine.
Molecular consequence: missense variant.
Genome position (GRCh38, 1-based): chr1:40,272,009, C>T. VCF-style: chr1-40272009-C-T. GRCh37 (hg19) VCF-style: chr1-40737681-C-T.
Other names: c.743C>T, p.Pro248Leu (LRG_212t1); short protein forms P248L.
Identifiers: ClinVar variation 4275 (VCV000004275.5), dbSNP rs121908095, ClinGen allele CA116755.
Genomic context (GRCh38, chr1:40,272,009, plus strand): 5'-CTCTGCCTGAGGGAAAGCTTAAAGAAGAAATTGAAGTAATGGCAAAGAGTATTGACTTTC[C>T]TTTGACGAAGGTGTATGTTGTGGAAGGTAAGGCTACCTGGGGATAAGAAAGTTTTATCCA-3'
Protein context (NP_005848.2, residues 238-258): IEVMAKSIDF[Pro248Leu]LTKVYVVEGS

ClinVar aggregate classification (germline): Pathogenic. Review status: criteria provided, single submitter (1 of 4 stars). 3 submissions from 3 submitters: Pathogenic (1). 2 of the submissions do not count toward it. Last evaluated 2021-05-18.

Conditions:
Mandibuloacral dysplasia with type B lipodystrophy (MADB). Also called: LIPODYSTROPHY, TYPE B, ASSOCIATED WITH MANDIBULOACRAL DYSPLASIA. Identifiers: Orphanet 2457, Orphanet 90154, MedGen C1837756, MONDO:0012074, OMIM 608612.

Allele frequency attached by ClinVar (database versions not stated): TOPMed 0.00002.

Submissions (3):

Labcorp Genetics (formerly Invitae), Labcorp
Classification: Pathogenic. Last evaluated: 2021-05-18. Review status: criteria provided, single submitter. Criteria: Invitae Variant Classification Sherloc (09022015). Collection method: clinical testing. Allele origin: germline.
Comment: This variant is not present in population databases (ExAC no frequency). This sequence change replaces proline with leucine at codon 248 of the ZMPSTE24 protein (p.Pro248Leu). There is a moderate physicochemical difference between proline and leucine. This variant has been observed in individual(s) with mandibuloacral dysplasia (PMID: 18435794, 20814950). It has also been observed to segregate with disease in related individuals. ClinVar contains an entry for this variant (Variation ID: 4275). Algorithms developed to predict the effect of missense changes on protein structure and function are either unavailable or do not agree on the potential impact of this missense change (SIFT: "Not Available"; PolyPhen-2: "Probably Damaging"; Align-GVGD: "Not Available"). For these reasons, this variant has been classified as Pathogenic.

OMIM
Classification: Pathogenic for MANDIBULOACRAL DYSPLASIA WITH TYPE B LIPODYSTROPHY. Last evaluated: 2010-11-01. Review status: no assertion criteria provided. Collection method: literature only. Allele origin: germline. Not counted in ClinVar's aggregate classification.

ZMPSTE24 homepage - Leiden Muscular Dystrophy pages
No classification provided. Review status: no classification provided. Collection method: not provided. Allele origin: germline. Not counted in ClinVar's aggregate classification.
Comment: unknown functional consequence

Literature cited by the submitters: PubMed 18435794 (cited by Labcorp Genetics (formerly Invitae), Labcorp and OMIM); PubMed 20814950 (cited by Labcorp Genetics (formerly Invitae), Labcorp and OMIM).